The following is an entry in ClinVar:

NM_014921.5(ADGRL1):c.1683C>G (p.Tyr561Ter)

Genes: ADGRL1 (adhesion G protein-coupled receptor L1; minus strand), ADGRL1-AS1 (ADGRL1 antisense RNA 1; plus strand). Cytogenetic location: 19p13.12.
Variant type: single nucleotide variant.
Coding change: c.1683C>G on transcript NM_014921.5 (MANE Select); coding-DNA position 1683, C replaced by G.
Protein change: p.Tyr561Ter; replaces tyrosine 561 with a stop codon.
Molecular consequence: nonsense.
Genome position (GRCh38, 1-based): chr19:14,160,229, G>C on the plus strand (C>G on the coding strand, the complement: ADGRL1 is on the minus strand). VCF-style: chr19-14160229-G-C. GRCh37 (hg19) VCF-style: chr19-14271041-G-C.
Other names: c.1698C>G, p.Tyr566Ter (NM_001008701.3); short protein forms Y561*, Y566*.
Identifiers: ClinVar variation 4085411 (VCV004085411.8).

ClinVar aggregate classification (germline): Likely pathogenic (1 of 4 stars; one submission).

Submission:

CeGaT Center for Human Genetics Tuebingen
Classification: Likely pathogenic. Last evaluated: 2025-10-01. Review status: criteria provided, single submitter. Criteria: CeGaT Center For Human Genetics Tuebingen Variant Classification Criteria Version 2. Collection method: clinical testing. Allele origin: germline. Affected: yes. Observed: 3 variant alleles.
Comment: ADGRL1: PVS1:Strong, PM2